The following is an entry in ClinVar:

ClinVar aggregate classification (germline): Uncertain significance (1 of 4 stars; one submission).

Submission:

Labcorp Genetics (formerly Invitae), Labcorp
Classification: Uncertain significance. Last evaluated: 2025-06-19. Review status: criteria provided, single submitter. Criteria: Invitae Variant Classification Sherloc (09022015). Collection method: clinical testing. Allele origin: germline.
Comment: This sequence change replaces glycine, which is neutral and non-polar, with glutamic acid, which is acidic and polar, at codon 483 of the IRF2BP2 protein (p.Gly483Glu). This variant is not present in population databases (gnomAD no frequency). This variant has not been reported in the literature in individuals affected with IRF2BP2-related conditions. An algorithm developed to predict the effect of missense changes on protein structure and function (PolyPhen-2) suggests that this variant is likely to be disruptive. In summary, the available evidence is currently insufficient to determine the role of this variant in disease. Therefore, it has been classified as a Variant of Uncertain Significance.

NM_182972.3(IRF2BP2):c.1448G>A (p.Gly483Glu)

Gene: IRF2BP2 (interferon regulatory factor 2 binding protein 2; minus strand). Cytogenetic location: 1q42.3.
Variant type: single nucleotide variant.
Coding change: c.1448G>A on transcript NM_182972.3 (MANE Select); coding-DNA position 1448, G replaced by A.
Protein change: p.Gly483Glu; replaces glycine 483 with glutamic acid.
Molecular consequence: missense variant.
Genome position (GRCh38, 1-based): chr1:234,607,453, C>T on the plus strand (G>A on the coding strand, the complement: IRF2BP2 is on the minus strand). VCF-style: chr1-234607453-C-T. GRCh37 (hg19) VCF-style: chr1-234743199-C-T.
Other names: c.1400G>A, p.Gly467Glu (NM_001077397.1); short protein forms G467E, G483E.
Identifiers: ClinVar variation 4721738 (VCV004721738.1).